The following is an entry in ClinVar:

NM_005631.5(SMO):c.1248C>G (p.Gly416=)

Gene: SMO (smoothened, frizzled class receptor; plus strand). Cytogenetic location: 7q32.1.
Variant type: single nucleotide variant.
Coding change: c.1248C>G on transcript NM_005631.5 (MANE Select); coding-DNA position 1248, C replaced by G.
Protein change: p.Gly416=; no amino-acid change (glycine 416 retained).
Molecular consequence: synonymous variant.
Genome position (GRCh38, 1-based): chr7:129,206,571, C>G. VCF-style: chr7-129206571-C-G. GRCh37 (hg19) VCF-style: chr7-128846412-C-G.
Other names: NC_000007.13:g.128846412C>G; c.1248C>G, p.Gly416= (LRG_1393t1).
Identifiers: ClinVar variation 383189 (VCV000383189.6), dbSNP rs199960351, ClinGen allele CA4479333.

ClinVar aggregate classification (germline): Likely benign. Review status: criteria provided, multiple submitters, no conflicts (2 of 4 stars). 2 submissions from 2 submitters: Likely benign (2). Last evaluated 2019-12-31.

Allele frequency attached by ClinVar (database versions not stated): gnomAD 0.00011 and 0.00013; gnomAD exomes 0.00017 and 0.00038; ExAC 0.00021; ESP Exome Variant Server 0.00015; TOPMed 0.00019.
gnomAD v4.1: 557 of 1,614,048 alleles (0.035%); highest among the groups gnomAD compares: Middle Eastern, 0.049%; 1 homozygote.

Submissions (4):

Labcorp Genetics (formerly Invitae), Labcorp
Classification: Likely benign. Last evaluated: 2019-12-31. Review status: criteria provided, single submitter. Criteria: Invitae Variant Classification Sherloc (09022015). Collection method: clinical testing. Allele origin: germline.

GeneDx
Classification: Likely benign. Last evaluated: 2016-02-13. Review status: criteria provided, single submitter. Criteria: GeneDx Variant Classification (06012015). Collection method: clinical testing. Allele origin: germline. Affected: yes.
Comment: This variant is considered likely benign or benign based on one or more of the following criteria: it is a conservative change, it occurs at a poorly conserved position in the protein, it is predicted to be benign by multiple in silico algorithms, and/or has population frequency not consistent with disease.

Dr. Peter K. Rogan Lab, Western University
No classification provided (evidence only). Condition: Hepatocellular carcinoma. Review status: no classification provided. Collection method: in vitro. Allele origin: not applicable. Functional consequence: retained intron. Not counted in ClinVar's aggregate classification.

Dr. Peter K. Rogan Lab, Western University
No classification provided (evidence only). Condition: Ovarian serous cystadenocarcinoma. Review status: no classification provided. Collection method: in vitro. Allele origin: not applicable. Functional consequence: retained intron. Not counted in ClinVar's aggregate classification.